The following is an entry in ClinVar:

ClinVar aggregate classification (germline): Uncertain significance (1 of 4 stars; one submission).

Allele frequency attached by ClinVar (database versions not stated): gnomAD exomes 0.00001; ExAC 0.00002.
gnomAD v4.1: 18 of 1,613,958 alleles (0.0011%); highest among the groups gnomAD compares: Non-Finnish European, 0.0014%; no homozygotes.

Submission:

Labcorp Genetics (formerly Invitae), Labcorp
Classification: Uncertain significance. Last evaluated: 2023-11-19. Review status: criteria provided, single submitter. Criteria: Invitae Variant Classification Sherloc (09022015). Collection method: clinical testing. Allele origin: germline.
Comment: This sequence change replaces arginine, which is basic and polar, with glutamine, which is neutral and polar, at codon 620 of the SLC20A2 protein (p.Arg620Gln). This variant is present in population databases (rs758357927, gnomAD 0.002%). This variant has not been reported in the literature in individuals affected with SLC20A2-related conditions. Advanced modeling of protein sequence and biophysical properties (such as structural, functional, and spatial information, amino acid conservation, physicochemical variation, residue mobility, and thermodynamic stability) has been performed at Invitae for this missense variant, however the output from this modeling did not meet the statistical confidence thresholds required to predict the impact of this variant on SLC20A2 protein function. In summary, the available evidence is currently insufficient to determine the role of this variant in disease. Therefore, it has been classified as a Variant of Uncertain Significance.

NM_001257180.2(SLC20A2):c.1859G>A (p.Arg620Gln)

Gene: SLC20A2 (solute carrier family 20 member 2; minus strand). Cytogenetic location: 8p11.21.
Variant type: single nucleotide variant.
Coding change: c.1859G>A on transcript NM_001257180.2 (MANE Select); coding-DNA position 1859, G replaced by A.
Protein change: p.Arg620Gln; replaces arginine 620 with glutamine.
Molecular consequence: missense variant.
Genome position (GRCh38, 1-based): chr8:42,417,903, C>T on the plus strand (G>A on the coding strand, the complement: SLC20A2 is on the minus strand). VCF-style: chr8-42417903-C-T. GRCh37 (hg19) VCF-style: chr8-42275421-C-T.
Other names: c.1859G>A, p.Arg620Gln (NM_001257181.2, NM_006749.5); short protein forms R620Q.
Identifiers: ClinVar variation 2959757 (VCV002959757.3), dbSNP rs758357927, ClinGen allele CA4733183.